The following is an entry in ClinVar:

ClinVar aggregate classification (germline): Likely pathogenic. Review status: criteria provided, multiple submitters, no conflicts (2 of 4 stars). 2 submissions from 2 submitters: Likely pathogenic (2). Last evaluated 2024-11-04.

Conditions:
Alport syndrome. Also called: Hemorrhagic familial nephritis; Hemorrhagic hereditary nephritis; Congenital hereditary hematuria. Identifiers: Orphanet 63, MedGen C1567741, MONDO:0018965.
Autosomal recessive Alport syndrome (ATS2). Also called: COL4A3-Related Nephropathy; ALPORT SYNDROME 2, AUTOSOMAL RECESSIVE; Alport syndrome type 2; COL4A4 Alport Syndrome and Thin Basement Membrane Nephropathy. Identifiers: Orphanet 63, Orphanet 88919, MedGen C4746745, MONDO:0008762, OMIM 203780.

Submissions (2):

Natera, Inc.
Classification: Likely pathogenic for Alport syndrome. Last evaluated: 2024-11-04. Review status: criteria provided, single submitter. Criteria: Natera Variant Classification Schema (03/2026). Collection method: clinical testing. Allele origin: germline.
Comment: The c.4351G>A variant in COL4A4 is a missense variant predicted to cause substitution of glycine to arginine at amino acid 1451. This variant is rare in the general population with a frequency below the threshold expected for the associated phenotype(s). This variant has been observed in one or more individuals affected with the associated recessive disease, as either homozygous or compound heterozygous with a second variant (PMID: 29801666). This variant is located in a functionally critical region of the protein. Computational prediction algorithms indicate this variant is likely to affect gene or protein function. Given the available evidence, this variant is classified as Likely Pathogenic.

Molecular Biology Laboratory, Fundació Puigvert
Classification: Likely pathogenic for Autosomal recessive Alport syndrome. Last evaluated: 2020-02-01. Review status: criteria provided, single submitter. Criteria: ACMG Guidelines, 2015. Collection method: research. Allele origin: maternal. Affected: yes. Study: KidneyPanel_2020.

Literature cited by the submitters: PubMed 29801666 (cited by Natera, Inc.); PubMed 33532864 (cited by Molecular Biology Laboratory, Fundació Puigvert).

NM_000092.5(COL4A4):c.4351G>A (p.Gly1451Arg)

Gene: COL4A4 (collagen type IV alpha 4 chain; minus strand). Cytogenetic location: 2q36.3.
Variant type: single nucleotide variant.
Coding change: c.4351G>A on transcript NM_000092.5 (MANE Select); coding-DNA position 4351, G replaced by A.
Protein change: p.Gly1451Arg; replaces glycine 1451 with arginine.
Molecular consequence: missense variant.
Genome position (GRCh38, 1-based): chr2:227,010,484, C>T on the plus strand (G>A on the coding strand, the complement: COL4A4 is on the minus strand). VCF-style: chr2-227010484-C-T. GRCh37 (hg19) VCF-style: chr2-227875200-C-T.
Other names: c.4351G>A (NM_000092.4); short protein forms G1451R.
Identifiers: ClinVar variation 974378 (VCV000974378.2), dbSNP rs1963420059, ClinGen allele CA350836333.